The following is an entry in ClinVar:

NM_000071.3(CBS):c.340G>A (p.Ala114Thr)

Gene: CBS (cystathionine beta-synthase; minus strand). Cytogenetic location: 21q22.3.
Variant type: single nucleotide variant.
Coding change: c.340G>A on transcript NM_000071.3 (MANE Select); coding-DNA position 340, G replaced by A.
Protein change: p.Ala114Thr; replaces alanine 114 with threonine.
Molecular consequence: missense variant.
Genome position (GRCh38, 1-based): chr21:43,066,354, C>T on the plus strand (G>A on the coding strand, the complement: CBS is on the minus strand). VCF-style: chr21-43066354-C-T. GRCh37 (hg19) VCF-style: chr21-44486464-C-T.
Other names: c.340G>A, p.Ala114Thr (NM_001178008.3, NM_001178009.3, NM_001320298.2); c.25G>A, p.Ala9Thr (NM_001321072.1); short protein forms A114T, A9T.
Identifiers: ClinVar variation 429655 (VCV000429655.13), dbSNP rs377708532, ClinGen allele CA321097898.

ClinVar aggregate classification (germline): Conflicting classifications of pathogenicity. Review status: criteria provided, conflicting classifications (1 of 4 stars). 3 submissions from 3 submitters: Likely pathogenic (2); Uncertain significance (1). Last evaluated 2026-03-06.

Conditions:
HYPERHOMOCYSTEINEMIA, THROMBOTIC, CBS-RELATED. Identifiers: MedGen C3150344, OMIM 236200.

Allele frequency attached by ClinVar (database versions not stated): gnomAD exomes below 0.00001.
gnomAD v4.1: 4 of 803,184 alleles (0.0005%); highest among the groups gnomAD compares: East Asian, 0.0026%; 1 homozygote.

Submissions (3):

Women's Health and Genetics/Laboratory Corporation of America, LabCorp
Classification: Uncertain significance. Last evaluated: 2026-03-06. Review status: criteria provided, single submitter. Criteria: LabCorp Variant Classification Summary - May 2015. Collection method: clinical testing. Allele origin: germline.
Comment: Variant summary: CBS c.340G>A (p.Ala114Thr) results in a non-conservative amino acid change in the encoded protein sequence. Algorithms developed to predict the effect of missense changes on protein structure and function all suggest that this variant is likely to be disruptive. The variant allele was found at a frequency of 1.2e-05 in 251032 control chromosomes (gnomAD). The available data on variant occurrences in the general population are insufficient to allow any conclusion about variant significance. c.340G>A has been observed in one individual affected with early onset stroke (Park_2023) without strong evidence for causality. The report does not provide unequivocal conclusions about association of the variant with Homocystinuria. To our knowledge, no experimental evidence demonstrating an impact on protein function has been reported. ClinVar contains an entry for this variant (Variation ID: 429655). Based on the evidence outlined above, the variant was classified as uncertain significance.

Labcorp Genetics (formerly Invitae), Labcorp
Classification: Likely pathogenic for HYPERHOMOCYSTEINEMIA, THROMBOTIC, CBS-RELATED. Last evaluated: 2023-12-06. Review status: criteria provided, single submitter. Criteria: Invitae Variant Classification Sherloc (09022015). Collection method: clinical testing. Allele origin: germline.
Comment: This sequence change replaces alanine, which is neutral and non-polar, with threonine, which is neutral and polar, at codon 114 of the CBS protein (p.Ala114Thr). This variant is present in population databases (rs377708532, gnomAD 0.006%). This variant has not been reported in the literature in individuals affected with CBS-related conditions. ClinVar contains an entry for this variant (Variation ID: 429655). Advanced modeling of protein sequence and biophysical properties (such as structural, functional, and spatial information, amino acid conservation, physicochemical variation, residue mobility, and thermodynamic stability) performed at Invitae indicates that this missense variant is expected to disrupt CBS protein function with a positive predictive value of 95%. This variant disrupts the p.Ala114 amino acid residue in CBS. Other variant(s) that disrupt this residue have been determined to be pathogenic (PMID: 7762555, 8353501, 20490928, 20506325, 22069143, 22267502, 22612060). This suggests that this residue is clinically significant, and that variants that disrupt this residue are likely to be disease-causing. In summary, the currently available evidence indicates that the variant is pathogenic, but additional data are needed to prove that conclusively. Therefore, this variant has been classified as Likely Pathogenic.

GeneDx
Classification: Likely pathogenic. Last evaluated: 2015-09-02. Review status: criteria provided, single submitter. Criteria: GeneDx Variant Classification (06012015). Collection method: clinical testing. Allele origin: germline. Affected: yes.
Comment: The A114T variant has not been published as a pathogenic variant or been reported as a benign polymorphism to our knowledge. The A114T variant was not observed in approximately 6,500 individuals of European and African American ancestry in the NHLBI Exome Sequencing Project, indicating it is not a common benign variant in these populations. The A114T variant is a non-conservative amino acid substitution, which is likely to impact secondary protein structure as these residues differ in polarity, charge, size and/or other properties. In addition, this substitution occurs at a position that is conserved across species. Consequently, in silico analysis predicts this variant is probably damaging to the protein structure/function. Furthermore, a missense variant in the same residue (A114V) and missense variants in nearby residues (C109R, G116R, R121C, R121H, R121L) have been reported in the Human Gene Mutation Database in association with homocystinuria (Stenson et al., 2014), supporting the functional importance of this residue and this region of the protein.Therefore, this variant is a strong candidate for a pathogenic variant, however the possibility that it is a benign variant cannot be excluded.

Literature cited by the submitters: PubMed 36541592 (cited by Women's Health and Genetics/Laboratory Corporation of America, LabCorp); PubMed 7762555 (cited by Labcorp Genetics (formerly Invitae), Labcorp); PubMed 8353501 (cited by Labcorp Genetics (formerly Invitae), Labcorp); PubMed 20490928 (cited by Labcorp Genetics (formerly Invitae), Labcorp); PubMed 20506325 (cited by Labcorp Genetics (formerly Invitae), Labcorp); PubMed 22069143 (cited by Labcorp Genetics (formerly Invitae), Labcorp); PubMed 22267502 (cited by Labcorp Genetics (formerly Invitae), Labcorp); PubMed 22612060 (cited by Labcorp Genetics (formerly Invitae), Labcorp).